The following is an entry in ClinVar:

ClinVar aggregate classification (germline): Likely benign (1 of 4 stars; one submission).

gnomAD v4.1: 4 of 1,418,150 alleles (0.00028%); highest among the groups gnomAD compares: East Asian, 0.0032%; no homozygotes.

Submission:

CeGaT Center for Human Genetics Tuebingen
Classification: Likely benign. Last evaluated: 2024-12-01. Review status: criteria provided, single submitter. Criteria: CeGaT Center For Human Genetics Tuebingen Variant Classification Criteria Version 2. Collection method: clinical testing. Allele origin: germline. Affected: yes. Observed: 1 variant allele.
Comment: AFG3L2: BP4, BP7

NM_006796.3(AFG3L2):c.6G>A (p.Ala2=)

Gene: AFG3L2 (AFG3 like matrix AAA peptidase subunit 2; minus strand). Cytogenetic location: 18p11.21.
Variant type: single nucleotide variant.
Coding change: c.6G>A on transcript NM_006796.3 (MANE Select); coding-DNA position 6, G replaced by A.
Protein change: p.Ala2=; no amino-acid change (alanine 2 retained).
Molecular consequence: synonymous variant.
Genome position (GRCh38, 1-based): chr18:12,377,077, C>T on the plus strand (G>A on the coding strand, the complement: AFG3L2 is on the minus strand). VCF-style: chr18-12377077-C-T. GRCh37 (hg19) VCF-style: chr18-12377076-C-T.
Identifiers: ClinVar variation 3772114 (VCV003772114.13).